The following is an entry in ClinVar:

ClinVar aggregate classification (germline): Likely benign (1 of 4 stars; one submission).

Allele frequency attached by ClinVar (database versions not stated): TOPMed below 0.00001.
gnomAD v4.1: 2 of 1,553,750 alleles (0.00013%); highest among the groups gnomAD compares: Admixed American, 0.0019%; no homozygotes.

Submission:

CeGaT Center for Human Genetics Tuebingen
Classification: Likely benign. Last evaluated: 2022-07-01. Review status: criteria provided, single submitter. Criteria: CeGaT Center For Human Genetics Tuebingen Variant Classification Criteria Version 2. Collection method: clinical testing. Allele origin: germline. Affected: yes. Observed: 1 variant allele.
Comment: TBR1: BP4, BP7

NM_006593.4(TBR1):c.1803C>G (p.Ala601=)

Gene: TBR1 (T-box brain transcription factor 1; plus strand). Cytogenetic location: 2q24.2.
Variant type: single nucleotide variant.
Coding change: c.1803C>G on transcript NM_006593.4 (MANE Select); coding-DNA position 1803, C replaced by G.
Protein change: p.Ala601=; no amino-acid change (alanine 601 retained).
Molecular consequence: synonymous variant.
Genome position (GRCh38, 1-based): chr2:161,423,981, C>G. VCF-style: chr2-161423981-C-G. GRCh37 (hg19) VCF-style: chr2-162280492-C-G.
Identifiers: ClinVar variation 1701391 (VCV001701391.31), dbSNP rs1397401258, ClinGen allele CA429731237.